The following is an entry in ClinVar:

ClinVar aggregate classification (germline): Uncertain significance (1 of 4 stars; one submission).

Allele frequency attached by ClinVar (database versions not stated): gnomAD exomes 0.00001; ExAC 0.00002; gnomAD 0.00002.
gnomAD v4.1: 16 of 1,613,896 alleles (0.00099%); highest among the groups gnomAD compares: South Asian, 0.0055%; no homozygotes.

Submission:

CeGaT Center for Human Genetics Tuebingen
Classification: Uncertain significance. Last evaluated: 2024-04-01. Review status: criteria provided, single submitter. Criteria: CeGaT Center For Human Genetics Tuebingen Variant Classification Criteria Version 2. Collection method: clinical testing. Allele origin: germline. Affected: yes. Observed: 1 variant allele.
Comment: ADAMTSL4: PM2

NM_019032.6(ADAMTSL4):c.1675C>T (p.Arg559Cys)

Genes: ADAMTSL4 (ADAMTS like 4; plus strand), ADAMTSL4-AS2 (ADAMTSL4 antisense RNA 2; minus strand). Cytogenetic location: 1q21.2.
Variant type: single nucleotide variant.
Coding change: c.1675C>T on transcript NM_019032.6 (MANE Select); coding-DNA position 1675, C replaced by T.
Protein change: p.Arg559Cys; replaces arginine 559 with cysteine.
Molecular consequence: missense variant.
Genome position (GRCh38, 1-based): chr1:150,556,719, C>T. VCF-style: chr1-150556719-C-T. GRCh37 (hg19) VCF-style: chr1-150529195-C-T.
Other names: c.1744C>T, p.Arg582Cys (NM_001288607.2, NM_001288608.2); c.1675C>T, p.Arg559Cys (NM_001378596.1, NM_025008.5); short protein forms R559C, R582C.
Identifiers: ClinVar variation 3234552 (VCV003234552.20), dbSNP rs771843143, ClinGen allele CA1078360.